The following is an entry in ClinVar:

ClinVar aggregate classification (germline): Uncertain significance (1 of 4 stars; one submission).

Conditions:
Hypertrophic cardiomyopathy 2. Also called: TNNT2-Related Familial Hypertrophic Cardiomyopathy. Identifiers: MedGen C1861864, MONDO:0007266, OMIM 115195.
Cardiomyopathy, familial restrictive, 3. Identifiers: Orphanet 75249, MedGen C2676271, MONDO:0012900, OMIM 612422.
Dilated cardiomyopathy 1D. Identifiers: Orphanet 154, Orphanet 54260, MedGen C1832243, MONDO:0011095, OMIM 601494.

Allele frequency attached by ClinVar (database versions not stated): TOPMed below 0.00001.
gnomAD v4.1: 1 of 1,573,956 alleles (0.000064%); highest among the groups gnomAD compares: African/African-American, 0.0014%; no homozygotes.

Submission:

Labcorp Genetics (formerly Invitae), Labcorp
Classification: Uncertain significance for Cardiomyopathy, familial restrictive, 3; Hypertrophic cardiomyopathy 2; Dilated cardiomyopathy 1D. Last evaluated: 2025-05-01. Review status: criteria provided, single submitter. Criteria: Invitae Variant Classification Sherloc (09022015). Collection method: clinical testing. Allele origin: germline.
Comment: This sequence change replaces alanine, which is neutral and non-polar, with aspartic acid, which is acidic and polar, at codon 20 of the TNNT2 protein (p.Ala20Asp). This variant is not present in population databases (gnomAD no frequency). This variant has not been reported in the literature in individuals affected with TNNT2-related conditions. ClinVar contains an entry for this variant (Variation ID: 2107176). An algorithm developed to predict the effect of missense changes on protein structure and function outputs the following: PolyPhen-2: "Not Available". The aspartic acid amino acid residue is found in multiple mammalian species, which suggests that this missense change does not adversely affect protein function. In summary, the available evidence is currently insufficient to determine the role of this variant in disease. Therefore, it has been classified as a Variant of Uncertain Significance.

NM_001276345.2(TNNT2):c.59C>A (p.Ala20Asp)

Gene: TNNT2 (troponin T2, cardiac type; minus strand). Cytogenetic location: 1q32.1.
Variant type: single nucleotide variant.
Coding change: c.59C>A on transcript NM_001276345.2 (MANE Select); coding-DNA position 59, C replaced by A.
Protein change: p.Ala20Asp; replaces alanine 20 with aspartic acid.
Molecular consequence: missense variant. On other transcripts: intron variant (1).
Genome position (GRCh38, 1-based): chr1:201,372,035, G>T on the plus strand (C>A on the coding strand, the complement: TNNT2 is on the minus strand). VCF-style: chr1-201372035-G-T. GRCh37 (hg19) VCF-style: chr1-201341163-G-T.
Other names: c.59C>A, p.Ala20Asp (NM_000364.4, NM_001001430.3, NM_001001431.3 and 7 more transcripts); c.52+110C>A (NM_001001432.3); short protein forms A20D.
Identifiers: ClinVar variation 2107176 (VCV002107176.4), dbSNP rs535282031, ClinGen allele CA344208058.